The following is an entry in ClinVar:

ClinVar aggregate classification (germline): Likely benign (0 of 4 stars; one submission).

Conditions:
RAI1-related disorder. Also called: RAI1-related condition.

Submission:

PreventionGenetics, part of Exact Sciences
Classification: Likely benign for RAI1-related condition. Last evaluated: 2021-04-06. Review status: no assertion criteria provided. Collection method: clinical testing. Allele origin: germline.
Comment: This variant is classified as likely benign based on ACMG/AMP sequence variant interpretation guidelines (Richards et al. 2015 PMID: 25741868, with internal and published modifications).

NM_030665.4(RAI1):c.4059T>C (p.Pro1353=)

Gene: RAI1 (retinoic acid induced 1; plus strand). Cytogenetic location: 17p11.2.
Variant type: single nucleotide variant.
Coding change: c.4059T>C on transcript NM_030665.4 (MANE Select); coding-DNA position 4059, T replaced by C.
Protein change: p.Pro1353=; no amino-acid change (proline 1353 retained).
Molecular consequence: synonymous variant.
Genome position (GRCh38, 1-based): chr17:17,797,007, T>C. VCF-style: chr17-17797007-T-C. GRCh37 (hg19) VCF-style: chr17-17700321-T-C.
Identifiers: ClinVar variation 3357317 (VCV003357317.1).